The following is an entry in ClinVar:

NM_001267550.2(TTN):c.107195A>G (p.Glu35732Gly)

Genes: TTN-AS1 (TTN antisense RNA 1; plus strand), TTN (titin; minus strand). Cytogenetic location: 2q31.2.
Variant type: single nucleotide variant.
Coding change: c.107195A>G on transcript NM_001267550.2 (MANE Select); coding-DNA position 107195, A replaced by G.
Protein change: p.Glu35732Gly; replaces glutamic acid 35732 with glycine.
Molecular consequence: missense variant.
Genome position (GRCh38, 1-based): chr2:178,528,556, T>C on the plus strand (A>G on the coding strand, the complement: TTN is on the minus strand). VCF-style: chr2-178528556-T-C. GRCh37 (hg19) VCF-style: chr2-179393283-T-C.
Other names: c.102272A>G, p.Glu34091Gly (NM_001256850.1); c.80000A>G, p.Glu26667Gly (NM_003319.4); c.99491A>G, p.Glu33164Gly (NM_133378.4); c.80375A>G, p.Glu26792Gly (NM_133432.3); c.80576A>G, p.Glu26859Gly (NM_133437.4); short protein forms E26667G, E26792G, E26859G, E33164G, E34091G, E35732G.
Identifiers: ClinVar variation 3753267 (VCV003753267.2).
Genomic context (GRCh38, chr2:178,528,556, plus strand): 5'-TTCTTCAATAATATATTCATAATTAAACTTACTGGCAGGTTGTTTTTAAACCATTCGATT[T>C]CAGGGGATGGCTCGCCACTGATTTCACAAGTAAAGAGAACATTTTGTCCTTCATTAATAT-3'
Protein context (NP_001254479.2, residues 35722-35742): TCEISGEPSP[Glu35732Gly]IEWFKNNLPI

ClinVar aggregate classification (germline): Uncertain significance (1 of 4 stars; one submission).

Conditions:
Autosomal recessive limb-girdle muscular dystrophy type 2J (LGMDR10). Also called: Limb-girdle muscular dystrophy, type 2J; MUSCULAR DYSTROPHY, LIMB-GIRDLE, AUTOSOMAL RECESSIVE 10. Identifiers: Orphanet 140922, MedGen C1837342, MONDO:0012127, OMIM 608807.
Dilated cardiomyopathy 1G (CMD1G). Identifiers: Orphanet 154, MedGen C1858763, MONDO:0011400, OMIM 604145.

Submission:

Labcorp Genetics (formerly Invitae), Labcorp
Classification: Uncertain significance for Dilated cardiomyopathy 1G; Autosomal recessive limb-girdle muscular dystrophy type 2J. Last evaluated: 2024-10-07. Review status: criteria provided, single submitter. Criteria: Invitae Variant Classification Sherloc (09022015). Collection method: clinical testing. Allele origin: germline.
Comment: This sequence change replaces glutamic acid, which is acidic and polar, with glycine, which is neutral and non-polar, at codon 35732 of the TTN protein (p.Glu35732Gly). This variant is not present in population databases (gnomAD no frequency). This variant has not been reported in the literature in individuals affected with TTN-related conditions. Experimental studies and prediction algorithms are not available or were not evaluated, and the functional significance of this variant is currently unknown. This variant is located in the M band of TTN (PMID: 25589632). Non-truncating variants in this region may be relevant for neuromuscular disorders, but have not been definitively shown to cause cardiomyopathy (PMID: 23975875). In summary, the available evidence is currently insufficient to determine the role of this variant in disease. Therefore, it has been classified as a Variant of Uncertain Significance.

Literature cited by the submitters: PubMed 25589632; PubMed 23975875.